The following is an entry in ClinVar:

ClinVar aggregate classification (germline): Benign/Likely benign. Review status: criteria provided, multiple submitters, no conflicts (2 of 4 stars). 7 submissions from 6 submitters: Benign (3); Likely benign (4). Last evaluated 2025-12-10.

Conditions:
Cardiovascular phenotype. Identifiers: MedGen CN230736.
Hypoalphalipoproteinemia, primary, 1. Identifiers: Orphanet 425, MedGen C5231558, MONDO:0011393, OMIM 604091.
Tangier disease (TGD). Also called: HIGH DENSITY LIPOPROTEIN DEFICIENCY, TANGIER TYPE; HIGH DENSITY LIPOPROTEIN DEFICIENCY, TYPE 1; Cholesterol thesaurismosis. Identifiers: Orphanet 31150, MedGen C0039292, MONDO:0008783, OMIM 205400.

Allele frequency attached by ClinVar (database versions not stated): gnomAD 0.00007 and 0.00050; TOPMed 0.00012; ESP Exome Variant Server 0.00015; 1000 Genomes Project 30x 0.00172; gnomAD exomes 0.00186; 1000 Genomes Project 0.00200; ExAC 0.00206.

Submissions (7):

Labcorp Genetics (formerly Invitae), Labcorp
Classification: Benign. Last evaluated: 2025-12-10. Review status: criteria provided, single submitter. Criteria: Invitae Variant Classification Sherloc (09022015). Collection method: clinical testing. Allele origin: germline.

CeGaT Center for Human Genetics Tuebingen
Classification: Benign. Last evaluated: 2025-05-01. Review status: criteria provided, single submitter. Criteria: CeGaT Center For Human Genetics Tuebingen Variant Classification Criteria Version 2. Collection method: clinical testing. Allele origin: germline. Affected: yes. Observed: 1 variant allele.
Comment: ABCA1: BS1, BS2

Women's Health and Genetics/Laboratory Corporation of America, LabCorp
Classification: Likely benign. Last evaluated: 2025-03-17. Review status: criteria provided, single submitter. Criteria: LabCorp Variant Classification Summary - May 2015. Collection method: clinical testing. Allele origin: germline.
Comment: Variant summary: ABCA1 c.1913G>A (p.Arg638Gln) results in a conservative amino acid change in the encoded protein sequence. Four of five in-silico tools predict a damaging effect of the variant on protein function. The variant allele was found at a frequency of 0.0019 in 251142 control chromosomes, predominantly at a frequency of 0.015 within the South Asian subpopulation in the gnomAD database, including 10 homozygotes. The observed variant frequency within South Asian control individuals in the gnomAD database is approximately 6 fold of the estimated maximal expected allele frequency for a pathogenic variant in ABCA1 causing Tangier Disease phenotype (0.0025). c.1913G>A has been reported in the literature in individuals affected with with decreased serum HDL cholesterol and hypertriglyceridemia, but without without strong evidence for causality (e.g., Abdel-Razek_2018, Cohen_2004, Sadananda_2015, Setia_2020, Suzuki_2024). These report(s) do not provide unequivocal conclusions about association of the variant with Tangier Disease. To our knowledge, no experimental evidence demonstrating an impact on protein function has been reported. The following publications have been ascertained in the context of this evaluation (PMID: 29150341, 15297675, 26255038, 32044282, 38346769). ClinVar contains an entry for this variant (Variation ID: 364441). Based on the evidence outlined above, the variant was classified as likely benign.

Ambry Genetics
Classification: Benign for Cardiovascular phenotype. Last evaluated: 2025-03-14. Review status: criteria provided, single submitter. Criteria: Ambry Variant Classification Scheme 2023. Collection method: clinical testing. Allele origin: germline.

Illumina Laboratory Services, Illumina
Classification: Likely benign for Hypoalphalipoproteinemia, primary, 1. Last evaluated: 2017-04-27. Review status: criteria provided, single submitter. Criteria: ICSL Variant Classification Criteria 13 December 2019. Collection method: clinical testing. Allele origin: germline.
Comment: This variant was observed as part of a predisposition screen in an ostensibly healthy population. A literature search was performed for the gene, cDNA change, and amino acid change (where applicable). Publications were found based on this search. The evidence from the literature, in combination with allele frequency data from public databases where available, was sufficient to determine this variant is unlikely to cause disease. Therefore, this variant is classified as likely benign.

Illumina Laboratory Services, Illumina
Classification: Likely benign for Tangier disease. Last evaluated: 2017-04-27. Review status: criteria provided, single submitter. Criteria: ICSL Variant Classification Criteria 13 December 2019. Collection method: clinical testing. Allele origin: germline.
Comment: the same text as in the submission from Illumina Laboratory Services, Illumina above.

Breakthrough Genomics
Classification: Likely benign. Review status: criteria provided, single submitter. Criteria: ACMG Guidelines, 2015. Collection method: not provided. Allele origin: germline. Inheritance: Autosomal recessive inheritance. Affected: yes.

Literature cited by the submitters: PubMed 15297675 (cited by 3 submitters); PubMed 29150341 (cited by Women's Health and Genetics/Laboratory Corporation of America, LabCorp and Ambry Genetics); PubMed 26255038 (cited by Women's Health and Genetics/Laboratory Corporation of America, LabCorp and Ambry Genetics); PubMed 32044282 (cited by Women's Health and Genetics/Laboratory Corporation of America, LabCorp); PubMed 38346769 (cited by Women's Health and Genetics/Laboratory Corporation of America, LabCorp); PubMed 25215231 (cited by Illumina Laboratory Services, Illumina).

NM_005502.4(ABCA1):c.1913G>A (p.Arg638Gln)

Gene: ABCA1 (ATP binding cassette subfamily A member 1; minus strand). Cytogenetic location: 9q31.1.
Variant type: single nucleotide variant.
Coding change: c.1913G>A on transcript NM_005502.4 (MANE Select); coding-DNA position 1913, G replaced by A.
Protein change: p.Arg638Gln; replaces arginine 638 with glutamine.
Molecular consequence: missense variant.
Genome position (GRCh38, 1-based): chr9:104,829,118, C>T on the plus strand (G>A on the coding strand, the complement: ABCA1 is on the minus strand). VCF-style: chr9-104829118-C-T. GRCh37 (hg19) VCF-style: chr9-107591399-C-T.
Other names: short protein forms R638Q.
Identifiers: ClinVar variation 364441 (VCV000364441.26), dbSNP rs374190304, ClinGen allele CA5168866.